The following is an entry in ClinVar:

ClinVar aggregate classification (germline): Uncertain significance (1 of 4 stars; one submission).

Conditions:
SH2B1-related disorder. Also called: SH2B1-related condition.

gnomAD v4.1: 8 of 1,614,066 alleles (0.0005%); highest among the groups gnomAD compares: Non-Finnish European, 0.00068%; no homozygotes.

Submission:

PreventionGenetics, part of Exact Sciences
Classification: Uncertain significance for SH2B1-related condition. Last evaluated: 2025-12-28. Review status: criteria provided, single submitter. Criteria: ACMG Guidelines, 2015. Collection method: clinical testing. Allele origin: germline.
Comment: The SH2B1 c.1106C>T variant is predicted to result in the amino acid substitution p.Ser369Phe. To our knowledge, this variant has not been reported in the literature. This variant is reported in 0.0015% of alleles in individuals of European (Non-Finnish) descent in gnomAD. At this time, the clinical significance of this variant is uncertain due to the absence of conclusive functional and genetic evidence.

NM_001387430.1(SH2B1):c.1106C>T (p.Ser369Phe)

Gene: SH2B1 (SH2B adaptor protein 1; plus strand). Cytogenetic location: 16p11.2.
Variant type: single nucleotide variant.
Coding change: c.1106C>T on transcript NM_001387430.1 (MANE Select); coding-DNA position 1106, C replaced by T.
Protein change: p.Ser369Phe; replaces serine 369 with phenylalanine.
Molecular consequence: missense variant.
Genome position (GRCh38, 1-based): chr16:28,869,070, C>T. VCF-style: chr16-28869070-C-T. GRCh37 (hg19) VCF-style: chr16-28880391-C-T.
Other names: c.1106C>T, p.Ser369Phe (NM_001145795.2, NM_001145796.2, NM_001145797.2 and 4 more transcripts); c.98C>T, p.Ser33Phe (NM_001308294.2); short protein forms S33F, S369F.
Identifiers: ClinVar variation 4995849 (VCV004995849.1).